The following is an entry in ClinVar:

NM_021930.6(RINT1):c.89-3T>C

Gene: RINT1 (RAD50 interactor 1; plus strand). Cytogenetic location: 7q22.3.
Variant type: single nucleotide variant.
Coding change: c.89-3T>C on transcript NM_021930.6 (MANE Select); 3 bases into the intron before coding-DNA position 89, T replaced by C.
Molecular consequence: intron variant.
Genome position (GRCh38, 1-based): chr7:105,536,562, T>C. VCF-style: chr7-105536562-T-C. GRCh37 (hg19) VCF-style: chr7-105177009-T-C.
Other names: c.-931-3T>C (NM_001346600.2); c.-834-3T>C (NM_001346601.2); c.-454-3T>C (NM_001346603.2); c.-9-3T>C (NM_001346599.2).
Identifiers: ClinVar variation 1389716 (VCV001389716.6), dbSNP rs2133357775, ClinGen allele CA2573141420.
Genomic context (GRCh38, chr7:105,536,562, plus strand): 5'-TTATATTTTCTTTAACTCCATAGTACTTAGTGGCGTTGAGTAATTGTTATTCTTTTGTTG[T>C]AGGTGACATAAATGTTACAGTTCTTATTGGAAGTAAACAAGTCAGTGAAGGTACAGATAA-3'

ClinVar aggregate classification (germline): Uncertain significance (1 of 4 stars; one submission).

Submission:

Labcorp Genetics (formerly Invitae), Labcorp
Classification: Uncertain significance. Last evaluated: 2021-10-27. Review status: criteria provided, single submitter. Criteria: Invitae Variant Classification Sherloc (09022015). Collection method: clinical testing. Allele origin: germline.
Comment: In summary, the available evidence is currently insufficient to determine the role of this variant in disease. Therefore, it has been classified as a Variant of Uncertain Significance. Variants that disrupt the consensus splice site are a relatively common cause of aberrant splicing (PMID: 17576681, 9536098). Algorithms developed to predict the effect of sequence changes on RNA splicing suggest that this variant is not likely to affect RNA splicing. This variant has not been reported in the literature in individuals affected with RINT1-related conditions. This variant is not present in population databases (gnomAD no frequency). This sequence change falls in intron 2 of the RINT1 gene. It does not directly change the encoded amino acid sequence of the RINT1 protein. It affects a nucleotide within the consensus splice site.

Literature cited by the submitters: PubMed 17576681; PubMed 9536098.